The following is an entry in ClinVar:

NM_002855.5(NECTIN1):c.1520G>A (p.Gly507Glu)

Gene: NECTIN1 (nectin cell adhesion molecule 1; minus strand). Cytogenetic location: 11q23.3.
Variant type: single nucleotide variant.
Coding change: c.1520G>A on transcript NM_002855.5 (MANE Select); coding-DNA position 1520, G replaced by A.
Protein change: p.Gly507Glu; replaces glycine 507 with glutamic acid.
Molecular consequence: missense variant. On other transcripts: intron variant (1).
Genome position (GRCh38, 1-based): chr11:119,664,781, C>T on the plus strand (G>A on the coding strand, the complement: NECTIN1 is on the minus strand). VCF-style: chr11-119664781-C-T. GRCh37 (hg19) VCF-style: chr11-119535491-C-T.
Other names: c.1003+10378G>A (NM_203285.2); short protein forms G507E.
Identifiers: ClinVar variation 878431 (VCV000878431.11), dbSNP rs202095358, ClinGen allele CA6321768.

ClinVar aggregate classification (germline): Conflicting classifications of pathogenicity. Review status: criteria provided, conflicting classifications (1 of 4 stars). 2 submissions from 2 submitters: Uncertain significance (1); Likely benign (1). Last evaluated 2024-06-28.

Conditions:
Cleft lip/palate-ectodermal dysplasia syndrome (CLPED1). Also called: Zlotogora syndrome; ECTODERMAL DYSPLASIA, CLEFT LIP AND PALATE, MENTAL RETARDATION, AND SYNDACTYLY; ECTODERMAL DYSPLASIA, MARGARITA ISLAND TYPE; ECTODERMAL DYSPLASIA, TYPE 4; ZLOTOGORA-OGUR SYNDROME. Identifiers: Orphanet 3253, MedGen C2931488, MONDO:0009151, OMIM 225060.

Allele frequency attached by ClinVar (database versions not stated): gnomAD 0.00009; TOPMed 0.00011; ESP Exome Variant Server 0.00015.
gnomAD v4.1: 116 of 1,612,706 alleles (0.0072%); highest among the groups gnomAD compares: African/African-American, 0.0027%; no homozygotes.

Submissions (2):

Labcorp Genetics (formerly Invitae), Labcorp
Classification: Likely benign. Last evaluated: 2024-06-28. Review status: criteria provided, single submitter. Criteria: Invitae Variant Classification Sherloc (09022015). Collection method: clinical testing. Allele origin: germline.

Illumina Laboratory Services, Illumina
Classification: Uncertain significance for Cleft lip/palate-ectodermal dysplasia syndrome. Last evaluated: 2017-04-28. Review status: criteria provided, single submitter. Criteria: ICSL Variant Classification Criteria 13 December 2019. Collection method: clinical testing. Allele origin: germline.
Comment: This variant was observed as part of a predisposition screen in an ostensibly healthy population. A literature search was performed for the gene, cDNA change, and amino acid change (where applicable). Publications were found based on this search. However, the evidence from the literature, in combination with allele frequency data from public databases where available, was not sufficient to rule this variant in or out of causing disease. Therefore, this variant is classified as a variant of unknown significance.

Literature cited by the submitters: PubMed 19715471 (cited by Illumina Laboratory Services, Illumina).